The following is an entry in ClinVar:

ClinVar aggregate classification (germline): Uncertain significance (1 of 4 stars; one submission).

Submission:

CeGaT Center for Human Genetics Tuebingen
Classification: Uncertain significance. Last evaluated: 2024-12-01. Review status: criteria provided, single submitter. Criteria: CeGaT Center For Human Genetics Tuebingen Variant Classification Criteria Version 2. Collection method: clinical testing. Allele origin: germline. Affected: yes. Observed: 1 variant allele.
Comment: IMMT: PM2

NM_006839.3(IMMT):c.817C>G (p.Gln273Glu)

Gene: IMMT (inner membrane mitochondrial protein; minus strand). Cytogenetic location: 2p11.2.
Variant type: single nucleotide variant.
Coding change: c.817C>G on transcript NM_006839.3 (MANE Select); coding-DNA position 817, C replaced by G.
Protein change: p.Gln273Glu; replaces glutamine 273 with glutamic acid.
Molecular consequence: missense variant. On other transcripts: 5 prime UTR variant (7), non-coding transcript variant (10), intron variant (3).
Genome position (GRCh38, 1-based): chr2:86,162,055, G>C on the plus strand (C>G on the coding strand, the complement: IMMT is on the minus strand). VCF-style: chr2-86162055-G-C. GRCh37 (hg19) VCF-style: chr2-86389178-G-C.
Other names: c.814C>G, p.Gln272Glu (NM_001100169.2, NM_001400101.1, NM_001400133.1); c.784C>G, p.Gln262Glu (NM_001100170.2, NM_001400121.1, NM_001400110.1 and 1 more transcripts); c.811C>G, p.Gln271Glu (NM_001400086.1, NM_001400087.1, NM_001400088.1); c.808C>G, p.Gln270Glu (NM_001400089.1, NM_001400100.1); c.805C>G, p.Gln269Glu (NM_001400090.1); c.817C>G, p.Gln273Glu (NM_001400091.1, NM_001400132.1); c.781C>G, p.Gln261Glu (NM_001400102.1, NM_001400103.1, NM_001400120.1 and 2 more transcripts); c.556C>G, p.Gln186Glu (NM_001400114.1); and 14 more; short protein forms Q259E, Q260E, Q261E, Q262E, Q269E, Q270E, Q271E, Q272E.
Identifiers: ClinVar variation 3390213 (VCV003390213.14).
Genomic context (GRCh38, chr2:86,162,055, plus strand): 5'-CGGCAGCTTCATCTACTGCCTTTCTGCGTTCCTTCAATGCACCCTCCACTGTGCGCCACT[G>C]AGCAGATTTCTTCTCGCCTGCAATCTAAACAAAAAATTTTAATTATATAATAAATAACTG-3'
Protein context (NP_006830.2, residues 263-283): SEIAGEKKSA[Gln273Glu]WRTVEGALKE